The following is an entry in ClinVar:

ClinVar aggregate classification (germline): Benign. Review status: criteria provided, multiple submitters, no conflicts (2 of 4 stars). 7 submissions from 5 submitters: Benign (6). 1 of the submissions does not count toward it. Last evaluated 2021-11-07.

Conditions:
Congenital multicore myopathy with external ophthalmoplegia (CMYO1B). Also called: Minicore myopathy with external ophthalmoplegia; MULTIMINICORE DISEASE WITH EXTERNAL OPHTHALMOPLEGIA; Congenital myopathy 1B, autosomal recessive; Minicore myopathy; MULTICORE MYOPATHY. Identifiers: Orphanet 598, Orphanet 98905, MedGen C1850674, MONDO:0009712, OMIM 255320, HP:0003789.
King Denborough syndrome (KDS). Identifiers: MedGen C1840365, MONDO:0020485, OMIM 619542.
Central core myopathy (CMYO1A). Also called: CONGENITAL MYOPATHY 1A, AUTOSOMAL DOMINANT, WITH SUSCEPTIBILITY TO MALIGNANT HYPERTHERMIA; Central core disease; Myopathy, central fibrillar. Identifiers: Orphanet 597, MedGen C5830701, MONDO:0007294, OMIM 117000.

Allele frequency attached by ClinVar (database versions not stated): gnomAD exomes 0.27469 and 0.32016; ESP Exome Variant Server 0.30534; ExAC 0.32077; gnomAD 0.32141 and 0.32621; TOPMed 0.33273; 1000 Genomes Project 30x 0.40256; 1000 Genomes Project 0.40595.
gnomAD v4.1: 451,201 of 1,610,100 alleles (28%); highest among the groups gnomAD compares: South Asian, 45%; 67,219 homozygotes.

Submissions (7):

Genome-Nilou Lab
Classification: Benign for Central core myopathy. Last evaluated: 2021-11-07. Review status: criteria provided, single submitter. Criteria: ACMG Guidelines, 2015. Collection method: clinical testing. Allele origin: germline. Affected: no.

Genome-Nilou Lab
Classification: Benign for King Denborough syndrome. Last evaluated: 2021-11-07. Review status: criteria provided, single submitter. Criteria: ACMG Guidelines, 2015. Collection method: clinical testing. Allele origin: germline. Affected: no.

Genome-Nilou Lab
Classification: Benign for Congenital multicore myopathy with external ophthalmoplegia. Last evaluated: 2021-11-07. Review status: criteria provided, single submitter. Criteria: ACMG Guidelines, 2015. Collection method: clinical testing. Allele origin: germline. Affected: no.

GeneDx
Classification: Benign. Last evaluated: 2018-06-14. Review status: criteria provided, single submitter. Criteria: GeneDx Variant Classification (06012015). Collection method: clinical testing. Allele origin: germline. Affected: yes.
Comment: This variant is considered likely benign or benign based on one or more of the following criteria: it is a conservative change, it occurs at a poorly conserved position in the protein, it is predicted to be benign by multiple in silico algorithms, and/or has population frequency not consistent with disease.

PreventionGenetics, part of Exact Sciences
Classification: Benign. Last evaluated: 2013-10-28. Review status: criteria provided, single submitter. Criteria: ACMG Guidelines, 2015. Collection method: clinical testing. Allele origin: germline.

Breakthrough Genomics
Classification: Benign. Review status: criteria provided, single submitter. Criteria: ACMG Guidelines, 2015. Collection method: not provided. Allele origin: germline. Inheritance: Autosomal recessive inheritance. Affected: yes.

RYR1 database
No classification provided. Review status: no classification provided. Collection method: not provided. Allele origin: unknown. Not counted in ClinVar's aggregate classification.

NM_000540.3(RYR1):c.8816+43A>C

Gene: RYR1 (ryanodine receptor 1; plus strand). Cytogenetic location: 19q13.2.
Variant type: single nucleotide variant.
Coding change: c.8816+43A>C on transcript NM_000540.3 (MANE Select); 43 bases into the intron after coding-DNA position 8816, A replaced by C.
Molecular consequence: intron variant.
Genome position (GRCh38, 1-based): chr19:38,506,995, A>C. VCF-style: chr19-38506995-A-C. GRCh37 (hg19) VCF-style: chr19-38997635-A-C.
Other names: c.8816+43A>C (NM_001042723.2).
Identifiers: ClinVar variation 133235 (VCV000133235.6), dbSNP rs2960346, ClinGen allele CA024948.
Genomic context (GRCh38, chr19:38,506,995, plus strand): 5'-TGGCTACGCGGTTACAAGGCACGCGGGTTGGGGCTCCCGCGGAAGAGCAGCAGGCAGAAC[A>C]CACCCGGCAAAGGCTGGAAGGGGCGGGGCCAGAGAGGGGTGGAGCCGAGAGGAACGGGGC-3'